The following is an entry in ClinVar:

NM_001267550.2(TTN):c.54204dup (p.Pro18069fs)

Genes: TTN-AS1 (TTN antisense RNA 1; plus strand), TTN (titin; minus strand). Cytogenetic location: 2q31.2.
Variant type: Duplication.
Coding change: c.54204dup on transcript NM_001267550.2 (MANE Select); coding-DNA position 54204, one base duplicated (A; older notation c.54204dupA).
Protein change: p.Pro18069fs; shifts the reading frame from proline 18069.
Molecular consequence: frameshift variant. On other transcripts: non-coding transcript variant (1).
Genome position (GRCh38, 1-based): chr2:178,604,885, T duplicated on the plus strand (A on the coding strand, the reverse complement: TTN is on the minus strand). VCF-style (leftmost placement, unchanged base first): chr2-178604884-G-GT. GRCh37 (hg19) VCF-style: chr2-179469611-G-GT.
Other names: c.49281dup, p.Pro16428fs (NM_001256850.1); c.27009dup, p.Pro9004fs (NM_003319.4); c.46500dup, p.Pro15501fs (NM_133378.4); c.27384dup, p.Pro9129fs (NM_133432.3); c.27585dup, p.Pro9196fs (NM_133437.4); short protein forms P15501fs, P16428fs, P18069fs, P9004fs, P9129fs, P9196fs.
Identifiers: ClinVar variation 3759804 (VCV003759804.2).

ClinVar aggregate classification (germline): Likely pathogenic (1 of 4 stars; one submission).

Conditions:
Dilated cardiomyopathy 1G (CMD1G). Identifiers: Orphanet 154, MedGen C1858763, MONDO:0011400, OMIM 604145.
Autosomal recessive limb-girdle muscular dystrophy type 2J (LGMDR10). Also called: Limb-girdle muscular dystrophy, type 2J; MUSCULAR DYSTROPHY, LIMB-GIRDLE, AUTOSOMAL RECESSIVE 10. Identifiers: Orphanet 140922, MedGen C1837342, MONDO:0012127, OMIM 608807.

Submission:

Labcorp Genetics (formerly Invitae), Labcorp
Classification: Likely pathogenic for Dilated cardiomyopathy 1G; Autosomal recessive limb-girdle muscular dystrophy type 2J. Last evaluated: 2024-11-16. Review status: criteria provided, single submitter. Criteria: Invitae Variant Classification Sherloc (09022015). Collection method: clinical testing. Allele origin: germline.
Comment: This sequence change creates a premature translational stop signal (p.Pro18069Thrfs*8) in the TTN gene. While this is not anticipated to result in nonsense mediated decay, it is expected to create a truncated TTN protein. This variant is not present in population databases (gnomAD no frequency). This variant has not been reported in the literature in individuals affected with TTN-related conditions. This variant is located in the A band of TTN (PMID: 25589632). Truncating variants in this region are significantly overrepresented in patients affected with dilated cardiomyopathy (PMID: 25589632). Truncating variants in this region have also been reported in individuals affected with autosomal recessive centronuclear myopathy (PMID: 23975875). In summary, the currently available evidence indicates that the variant is pathogenic, but additional data are needed to prove that conclusively. Therefore, this variant has been classified as Likely Pathogenic.

Literature cited by the submitters: PubMed 25589632; PubMed 23975875.